The following is an entry in ClinVar:

NM_002471.4(MYH6):c.3887A>G (p.Lys1296Arg)

Gene: MYH6 (myosin heavy chain 6; minus strand). Cytogenetic location: 14q11.2.
Variant type: single nucleotide variant.
Coding change: c.3887A>G on transcript NM_002471.4 (MANE Select); coding-DNA position 3887, A replaced by G.
Protein change: p.Lys1296Arg; replaces lysine 1296 with arginine.
Molecular consequence: missense variant.
Genome position (GRCh38, 1-based): chr14:23,389,484, T>C on the plus strand (A>G on the coding strand, the complement: MYH6 is on the minus strand). VCF-style: chr14-23389484-T-C. GRCh37 (hg19) VCF-style: chr14-23858693-T-C.
Other names: short protein forms K1296R.
Identifiers: ClinVar variation 4825135 (VCV004825135.1).

ClinVar aggregate classification (germline): Uncertain significance (1 of 4 stars; one submission).

Conditions:
Cardiovascular phenotype. Identifiers: MedGen CN230736.

gnomAD v4.1: 5 of 1,614,052 alleles (0.00031%); highest among the groups gnomAD compares: Admixed American, 0.0083%; no homozygotes.

Submission:

Ambry Genetics
Classification: Uncertain significance for Cardiovascular phenotype. Last evaluated: 2026-02-14. Review status: criteria provided, single submitter. Criteria: Ambry Variant Classification Scheme 2023. Collection method: clinical testing. Allele origin: germline.
Comment: The p.K1296R variant (also known as c.3887A>G), located in coding exon 26 of the MYH6 gene, results from an A to G substitution at nucleotide position 3887. The lysine at codon 1296 is replaced by arginine, an amino acid with highly similar properties. This amino acid position is conserved. In addition, the in silico prediction for this alteration is inconclusive. Based on the available evidence, the clinical significance of this variant remains unclear.